The following is an entry in ClinVar:

NM_001009944.3(PKD1):c.4640G>A (p.Arg1547His)

Gene: PKD1 (polycystin 1, transient receptor potential channel interacting; minus strand). Cytogenetic location: 16p13.3.
Variant type: single nucleotide variant.
Coding change: c.4640G>A on transcript NM_001009944.3 (MANE Select); coding-DNA position 4640, G replaced by A.
Protein change: p.Arg1547His; replaces arginine 1547 with histidine.
Molecular consequence: missense variant.
Genome position (GRCh38, 1-based): chr16:2,110,527, C>T on the plus strand (G>A on the coding strand, the complement: PKD1 is on the minus strand). VCF-style: chr16-2110527-C-T. GRCh37 (hg19) VCF-style: chr16-2160528-C-T.
Other names: c.4640G>A, p.Arg1547His (NM_000296.4); short protein forms R1547H.
Identifiers: ClinVar variation 3340829 (VCV003340829.3).

ClinVar aggregate classification (germline): Uncertain significance. Review status: criteria provided, multiple submitters, no conflicts (2 of 4 stars). 3 submissions from 3 submitters: Uncertain significance (3). Last evaluated 2025-09-17.

Conditions:
Polycystic kidney disease, adult type (PKD1). Also called: Polycystic Kidney, Autosomal Dominant; POLYCYSTIC KIDNEY DISEASE 1 WITH OR WITHOUT POLYCYSTIC LIVER DISEASE; POLYCYSTIC KIDNEY DISEASE, ADULT, TYPE I; Polycystic Kidney Disease 1, Autosomal Dominant; Polycystic kidney disease 1; Polycystic kidney disease 1, severe. Identifiers: MedGen C3149841, MONDO:0008263, OMIM 173900.

gnomAD v4.1: 31 of 1,611,542 alleles (0.0019%); highest among the groups gnomAD compares: South Asian, 0.0055%; no homozygotes.

Submissions (3):

Women's Health and Genetics/Laboratory Corporation of America, LabCorp
Classification: Uncertain significance. Last evaluated: 2025-09-17. Review status: criteria provided, single submitter. Criteria: LabCorp Variant Classification Summary - May 2015. Collection method: clinical testing. Allele origin: germline.
Comment: Variant summary: PKD1 c.4640G>A (p.Arg1547His) results in a non-conservative amino acid change in the encoded protein sequence. Algorithms developed to predict the effect of missense changes on protein structure and function are either unavailable or do not agree on the potential impact of this missense change. The variant allele was found at a frequency of 2.4e-05 in 247660 control chromosomes (gnomAD). The available data on variant occurrences in the general population are insufficient to allow any conclusion about variant significance. c.4640G>A has been observed in an individual affected with Polycystic Kidney Disease 1 (Kim_2019). These data do not allow any conclusion about variant significance. To our knowledge, no experimental evidence demonstrating an impact on protein function has been reported. The following publication has been ascertained in the context of this evaluation (PMID: 31740684). ClinVar contains an entry for this variant (Variation ID: 3340829). Based on the evidence outlined above, the variant was classified as uncertain significance.

Fulgent Genetics
Classification: Uncertain significance for Polycystic kidney disease, adult type. Last evaluated: 2024-05-30. Review status: criteria provided, single submitter. Criteria: ACMG Guidelines, 2015. Collection method: clinical testing. Allele origin: germline.

GeneDx
Classification: Uncertain significance. Last evaluated: 2023-06-08. Review status: criteria provided, single submitter. Criteria: GeneDx Variant Classification Process June 2021. Collection method: clinical testing. Allele origin: germline. Affected: yes.
Comment: In silico analysis supports that this missense variant does not alter protein structure/function; This variant is associated with the following publications: (PMID: 31740684)

Literature cited by the submitters: PubMed 31740684 (cited by Women's Health and Genetics/Laboratory Corporation of America, LabCorp).